The following is an entry in ClinVar:

NM_022041.4(GAN):c.565G>A (p.Val189Ile)

Gene: GAN (gigaxonin; plus strand). Cytogenetic location: 16q23.2.
Variant type: single nucleotide variant.
Coding change: c.565G>A on transcript NM_022041.4 (MANE Select); coding-DNA position 565, G replaced by A.
Protein change: p.Val189Ile; replaces valine 189 with isoleucine.
Molecular consequence: missense variant. On other transcripts: 5 prime UTR variant (1).
Genome position (GRCh38, 1-based): chr16:81,354,687, G>A. VCF-style: chr16-81354687-G-A. GRCh37 (hg19) VCF-style: chr16-81388292-G-A.
Other names: c.-75G>A (NM_001377486.1); short protein forms V189I.
Identifiers: ClinVar variation 1060105 (VCV001060105.5), dbSNP rs766484755, ClinGen allele CA8191392.

ClinVar aggregate classification (germline): Uncertain significance (1 of 4 stars; one submission).

Conditions:
Giant axonal neuropathy 1 (GAN1). Also called: GIANT AXONAL NEUROPATHY 1, AUTOSOMAL RECESSIVE; GAN-Related Neurodegeneration. Identifiers: Orphanet 643, MedGen C1850386, MONDO:0009749, OMIM 256850.

Allele frequency attached by ClinVar (database versions not stated): gnomAD 0.00001.
gnomAD v4.1: 29 of 1,613,444 alleles (0.0018%); highest among the groups gnomAD compares: Admixed American, 0.035%; no homozygotes.

Submission:

Labcorp Genetics (formerly Invitae), Labcorp
Classification: Uncertain significance for Giant axonal neuropathy 1. Last evaluated: 2024-11-05. Review status: criteria provided, single submitter. Criteria: Invitae Variant Classification Sherloc (09022015). Collection method: clinical testing. Allele origin: germline.
Comment: This sequence change replaces valine, which is neutral and non-polar, with isoleucine, which is neutral and non-polar, at codon 189 of the GAN protein (p.Val189Ile). This variant is present in population databases (rs766484755, gnomAD 0.05%). This variant has not been reported in the literature in individuals affected with GAN-related conditions. ClinVar contains an entry for this variant (Variation ID: 1060105). Invitae Evidence Modeling of protein sequence and biophysical properties (such as structural, functional, and spatial information, amino acid conservation, physicochemical variation, residue mobility, and thermodynamic stability) indicates that this missense variant is not expected to disrupt GAN protein function with a negative predictive value of 80%. In summary, the available evidence is currently insufficient to determine the role of this variant in disease. Therefore, it has been classified as a Variant of Uncertain Significance.